The following is an entry in ClinVar:

ClinVar aggregate classification (germline): Conflicting classifications of pathogenicity. Review status: criteria provided, conflicting classifications (1 of 4 stars). 11 submissions from 11 submitters: Pathogenic (2); Likely pathogenic (5); Uncertain significance (1). 3 of the submissions do not count toward it. Last evaluated 2026-01-01.

Conditions:
BBS10-related disorder. Also called: BBS10-related condition.
Bardet-Biedl syndrome (BBS). Identifiers: Orphanet 110, MedGen C0752166, MONDO:0015229.
Bardet-Biedl syndrome 10 (BBS10). Identifiers: Orphanet 110, MedGen C1859568, MONDO:0014438, OMIM 615987.

Allele frequency attached by ClinVar (database versions not stated): gnomAD exomes 0.00003 and 0.00005; TOPMed 0.00005; gnomAD 0.00002; ExAC 0.00003.
gnomAD v4.1: 76 of 1,610,182 alleles (0.0047%); highest among the groups gnomAD compares: Non-Finnish European, 0.0064%; no homozygotes.

Submissions (11):

Labcorp Genetics (formerly Invitae), Labcorp
Classification: Pathogenic for Bardet-Biedl syndrome. Last evaluated: 2026-01-01. Review status: criteria provided, single submitter. Criteria: Invitae Variant Classification Sherloc (09022015). Collection method: clinical testing. Allele origin: germline.
Comment: This sequence change replaces tyrosine, which is neutral and polar, with cysteine, which is neutral and slightly polar, at codon 613 of the BBS10 protein (p.Tyr613Cys). This variant is present in population databases (rs575957641, gnomAD 0.005%). This missense change has been observed in individual(s) with clinical features of Bardet-Biedl syndrome (PMID: 16582908; internal data). In at least one individual the data is consistent with being in trans (on the opposite chromosome) from a pathogenic variant. ClinVar contains an entry for this variant (Variation ID: 195379). Invitae Evidence Modeling of protein sequence and biophysical properties (such as structural, functional, and spatial information, amino acid conservation, physicochemical variation, residue mobility, and thermodynamic stability) indicates that this missense variant is expected to disrupt BBS10 protein function with a positive predictive value of 80%. Experimental studies have shown that this missense change affects BBS10 function (PMID: 20498079). For these reasons, this variant has been classified as Pathogenic.

PreventionGenetics, part of Exact Sciences
Classification: Likely pathogenic for BBS10-related condition. Last evaluated: 2025-12-09. Review status: criteria provided, single submitter. Criteria: ACMG Guidelines, 2015. Collection method: clinical testing. Allele origin: germline.
Comment: The BBS10 c.1838A>G variant is predicted to result in the amino acid substitution p.Tyr613Cys. This variant has been reported in individuals with Bardet-Biedl syndrome (Stoetzel et al. 2006. PubMed ID: 16582908; Zaghloul et al. 2010. PubMed ID: 20498079, Supplementary Table 4). In one individual this variant was seen in trans with a different pathogenic variant. Functional studies in zebrafish suggest that this variant is functionally null compared to controls (Zaghloul et al. 2010. PubMed ID: 20498079, Supplementary Table 5). This variant is reported in 0.0062% of alleles in individuals of European (Non-Finnish) descent in gnomAD. This variant is interpreted as likely pathogenic.

Natera, Inc.
Classification: Likely pathogenic for Bardet-Biedl syndrome type 10. Last evaluated: 2025-04-28. Review status: criteria provided, single submitter. Criteria: Natera Variant Classification Schema (03/2026). Collection method: clinical testing. Allele origin: germline.
Comment: The c.1838A>G variant in BBS10 is a missense variant predicted to cause substitution of tyrosine to cysteine at amino acid 613. This variant is rare in the general population with a frequency below the threshold expected for the associated phenotype(s). This variant has been observed in one or more individuals affected with the associated recessive disease, as either homozygous or compound heterozygous with a second variant (PMID: 16582908). Functional studies show that this variant may disrupt protein function (PMID: 20498079). Computational prediction algorithms indicate this variant is likely to affect gene or protein function. Given the available evidence, this variant is classified as Likely Pathogenic.

Blueprint Genetics
Classification: Pathogenic for BBS10-related disorders. Last evaluated: 2024-07-01. Review status: criteria provided, single submitter. Criteria: ACMG Guidelines, 2015. Collection method: clinical testing. Allele origin: germline. Affected: yes. Observed: 5 variant alleles.

Fulgent Genetics
Classification: Likely pathogenic for Bardet-Biedl syndrome 10. Last evaluated: 2024-02-15. Review status: criteria provided, single submitter. Criteria: ACMG Guidelines, 2015. Collection method: clinical testing. Allele origin: germline.

GeneDx
Classification: Likely pathogenic. Last evaluated: 2024-01-08. Review status: criteria provided, single submitter. Criteria: GeneDx Variant Classification Process June 2021. Collection method: clinical testing. Allele origin: germline. Affected: yes.
Comment: Published functional studies demonstrate a damaging effect (PMID: 20498079); In silico analysis supports that this missense variant has a deleterious effect on protein structure/function; This variant is associated with the following publications: (PMID: 31964843, 16582908, 20498079, 36312387)

Women's Health and Genetics/Laboratory Corporation of America, LabCorp
Classification: Likely pathogenic for Bardet-Biedl syndrome. Last evaluated: 2023-06-06. Review status: criteria provided, single submitter. Criteria: LabCorp Variant Classification Summary - May 2015. Collection method: clinical testing. Allele origin: germline.
Comment: Variant summary: BBS10 c.1838A>G (p.Tyr613Cys) results in a non-conservative amino acid change in the encoded protein sequence. Five of five in-silico tools predict a damaging effect of the variant on protein function. The variant allele was found at a frequency of 3.2e-05 in 247514 control chromosomes (gnomAD). c.1838A>G has been reported in the literature in compound heterozygous individual(s) affected with Bardet-Biedl Syndrome who carried a pathogenic variant in trans (Stoetzel_2006). At least one publication reported experimental evidence evaluating an impact on protein function, and demonstrated that this variant results in a null allele in a zebrafish model (Zaghloul_2010). The following publications have been ascertained in the context of this evaluation (PMID: 20498079, 16582908). Three clinical diagnostic laboratories have submitted clinical-significance assessments for this variant to ClinVar after 2014, and classified the variant a pathogenic, likely pathogenic, or VUS. Based on the evidence outlined above, the variant was classified as likely pathogenic.

Eurofins Ntd Llc (ga)
Classification: Uncertain significance. Last evaluated: 2014-06-11. Review status: criteria provided, single submitter. Criteria: EGL Classification Definitions 2015. Collection method: clinical testing. Allele origin: germline. Observed: 1 variant allele, 1 heterozygote.

Counsyl
Classification: Uncertain significance for Bardet-Biedl syndrome 10. Last evaluated: 2018-01-02. Review status: no assertion criteria provided. Collection method: clinical testing. Allele origin: unknown. Not counted in ClinVar's aggregate classification.

Genome Diagnostics Laboratory, University Medical Center Utrecht
Classification: Pathogenic. Review status: no assertion criteria provided. Collection method: clinical testing. Allele origin: germline. Affected: yes. Study: VKGL Data-share Consensus. Not counted in ClinVar's aggregate classification.

Joint Genome Diagnostic Labs from Nijmegen and Maastricht, Radboudumc and MUMC+
Classification: Pathogenic. Review status: no assertion criteria provided. Collection method: clinical testing. Allele origin: germline. Affected: yes. Study: VKGL Data-share Consensus. Not counted in ClinVar's aggregate classification.

Literature cited by the submitters: PubMed 16582908 (cited by 5 submitters); PubMed 20498079 (cited by 5 submitters).

NM_024685.4(BBS10):c.1838A>G (p.Tyr613Cys)

Gene: BBS10 (Bardet-Biedl syndrome 10; minus strand). Cytogenetic location: 12q21.2.
Variant type: single nucleotide variant.
Coding change: c.1838A>G on transcript NM_024685.4 (MANE Select); coding-DNA position 1838, A replaced by G.
Protein change: p.Tyr613Cys; replaces tyrosine 613 with cysteine.
Molecular consequence: missense variant.
Genome position (GRCh38, 1-based): chr12:76,346,147, T>C on the plus strand (A>G on the coding strand, the complement: BBS10 is on the minus strand). VCF-style: chr12-76346147-T-C. GRCh37 (hg19) VCF-style: chr12-76739927-T-C.
Other names: c.1838A>G, p.Tyr613Cys (LRG_1255t1); short protein forms Y613C.
Identifiers: ClinVar variation 195379 (VCV000195379.23), dbSNP rs575957641, ClinGen allele CA241802.